The following is an entry in ClinVar:

NM_001386993.1(CTCFL):c.1159C>T (p.Arg387Cys)

Gene: CTCFL (CCCTC-binding factor like; minus strand). Cytogenetic location: 20q13.31.
Variant type: single nucleotide variant.
Coding change: c.1159C>T on transcript NM_001386993.1 (MANE Select); coding-DNA position 1159, C replaced by T.
Protein change: p.Arg387Cys; replaces arginine 387 with cysteine.
Molecular consequence: missense variant. On other transcripts: non-coding transcript variant (2), intron variant (1).
Genome position (GRCh38, 1-based): chr20:57,515,735, G>A on the plus strand (C>T on the coding strand, the complement: CTCFL is on the minus strand). VCF-style: chr20-57515735-G-A. GRCh37 (hg19) VCF-style: chr20-56090791-G-A.
Other names: p.Arg387Cys; c.1159C>T, p.Arg387Cys (NM_001269040.2, NM_001269041.2, NM_001269042.2 and 9 more transcripts); c.544C>T, p.Arg182Cys (NM_001269049.2, NM_001269050.3); c.373C>T, p.Arg125Cys (NM_001269054.2, NM_001269055.3); c.1059+3023C>T (NM_001269048.3); short protein forms R125C, R182C, R387C.
Identifiers: ClinVar variation 2499993 (VCV002499993.1), dbSNP rs1426082271, ClinGen allele CA409423060.

ClinVar aggregate classification (germline): Uncertain significance (1 of 4 stars; one submission).

Allele frequency attached by ClinVar (database versions not stated): gnomAD exomes 0.00001.
gnomAD v4.1: 15 of 1,614,150 alleles (0.00093%); highest among the groups gnomAD compares: African/African-American, 0.0027%; no homozygotes.

Submission:

Foundation for Research in Genetics and Endocrinology, FRIGE's Institute of Human Genetics
Classification: Uncertain significance. Last evaluated: 2023-04-21. Review status: criteria provided, single submitter. Criteria: ACMG Guidelines, 2015. Collection method: clinical testing. Allele origin: germline. Inheritance: Autosomal recessive inheritance. Affected: yes. Observed: 1 homozygote.
Comment: A homozygous missense variation in exon 6 of the CTCFL gene that results in the amino acid substitution of Cystine for Arginine at codon 387 was detected. The variant c.1159C>T (p.Arg387Cys) was not observed in the 1000 genomes and gnomAD databases. The in silico prediction of the variant is damaging by SIFT, DANN, PROVEAN and MetaRNN. In summary, the variant meets our criteria to be classified as a variant of uncertain significance.